The following is an entry in ClinVar:

ClinVar aggregate classification (germline): Uncertain significance (1 of 4 stars; one submission).

Conditions:
Desmin-related myofibrillar myopathy (MFM1). Also called: Desminopathy; Desmin related myopathy (former name); Desmin storage myopathy (former name); MYOFIBRILLAR MYOPATHY WITH ARRHYTHMOGENIC RIGHT VENTRICULAR CARDIOMYOPATHY; DESMIN-RELATED MYOPATHY WITH ARRHYTHMOGENIC RIGHT VENTRICULAR CARDIOMYOPATHY; Myofibrillar myopathy 1. Identifiers: Orphanet 363543, Orphanet 98909, MedGen C1832370, MONDO:0011076, OMIM 601419.

gnomAD v4.1: 8 of 1,614,102 alleles (0.0005%); highest among the groups gnomAD compares: East Asian, 0.0022%; no homozygotes.

Submission:

Labcorp Genetics (formerly Invitae), Labcorp
Classification: Uncertain significance for Desmin-related myofibrillar myopathy. Last evaluated: 2024-02-15. Review status: criteria provided, single submitter. Criteria: Invitae Variant Classification Sherloc (09022015). Collection method: clinical testing. Allele origin: germline.
Comment: This sequence change replaces isoleucine, which is neutral and non-polar, with valine, which is neutral and non-polar, at codon 284 of the DES protein (p.Ile284Val). This variant is not present in population databases (gnomAD no frequency). This variant has not been reported in the literature in individuals affected with DES-related conditions. Advanced modeling of protein sequence and biophysical properties (such as structural, functional, and spatial information, amino acid conservation, physicochemical variation, residue mobility, and thermodynamic stability) has been performed at Invitae for this missense variant, however the output from this modeling did not meet the statistical confidence thresholds required to predict the impact of this variant on DES protein function. In summary, the available evidence is currently insufficient to determine the role of this variant in disease. Therefore, it has been classified as a Variant of Uncertain Significance.

NM_001927.4(DES):c.850A>G (p.Ile284Val)

Gene: DES (desmin; plus strand). Cytogenetic location: 2q35.
Variant type: single nucleotide variant.
Coding change: c.850A>G on transcript NM_001927.4 (MANE Select); coding-DNA position 850, A replaced by G.
Protein change: p.Ile284Val; replaces isoleucine 284 with valine.
Molecular consequence: missense variant. On other transcripts: intron variant (1).
Genome position (GRCh38, 1-based): chr2:219,420,609, A>G. VCF-style: chr2-219420609-A-G. GRCh37 (hg19) VCF-style: chr2-220285331-A-G.
Other names: c.847A>G, p.Ile283Val (NM_001382708.1); c.850A>G, p.Ile284Val (NM_001382710.1, NM_001382711.1, NM_001382712.1); c.580A>G, p.Ile194Val (NM_001382713.1); c.735+263A>G (NM_001382709.1); short protein forms I194V, I283V, I284V.
Identifiers: ClinVar variation 3758071 (VCV003758071.1).